The following is an entry in ClinVar:

NM_152393.4(KLHL40):c.1754+16G>A

Gene: KLHL40 (kelch like family member 40; plus strand). Cytogenetic location: 3p22.1.
Variant type: single nucleotide variant.
Coding change: c.1754+16G>A on transcript NM_152393.4 (MANE Select); 16 bases into the intron after coding-DNA position 1754, G replaced by A.
Molecular consequence: intron variant.
Genome position (GRCh38, 1-based): chr3:42,691,021, G>A. VCF-style: chr3-42691021-G-A. GRCh37 (hg19) VCF-style: chr3-42732513-G-A.
Identifiers: ClinVar variation 389854 (VCV000389854.8), dbSNP rs771808122, ClinGen allele CA2337066.

ClinVar aggregate classification (germline): Likely benign. Review status: criteria provided, multiple submitters, no conflicts (2 of 4 stars). 2 submissions from 2 submitters: Likely benign (2). Last evaluated 2025-05-13.

Conditions:
Nemaline myopathy 8 (NEM8). Also called: Nemaline myopathy 8, autosomal recessive. Identifiers: Orphanet 171430, MedGen C3809209, MONDO:0014138, OMIM 615348.

Allele frequency attached by ClinVar (database versions not stated): TOPMed 0.00005; gnomAD 0.00006 and 0.00005; gnomAD exomes 0.00006 and 0.00015; ExAC 0.00004.
gnomAD v4.1: 227 of 1,588,840 alleles (0.014%); highest among the groups gnomAD compares: Non-Finnish European, 0.019%; no homozygotes.

Submissions (2):

Labcorp Genetics (formerly Invitae), Labcorp
Classification: Likely benign for Nemaline myopathy 8. Last evaluated: 2025-05-13. Review status: criteria provided, single submitter. Criteria: Invitae Variant Classification Sherloc (09022015). Collection method: clinical testing. Allele origin: germline.

GeneDx
Classification: Likely benign. Last evaluated: 2017-06-29. Review status: criteria provided, single submitter. Criteria: GeneDx Variant Classification (06012015). Collection method: clinical testing. Allele origin: germline. Affected: yes.
Comment: This variant is considered likely benign or benign based on one or more of the following criteria: it is a conservative change, it occurs at a poorly conserved position in the protein, it is predicted to be benign by multiple in silico algorithms, and/or has population frequency not consistent with disease.